The following is an entry in ClinVar:

ClinVar aggregate classification (germline): Uncertain significance (1 of 4 stars; one submission).

Conditions:
RYK-related disorder. Also called: RYK-related condition.

Allele frequency attached by ClinVar (database versions not stated): ExAC 0.00001; gnomAD exomes 0.00001.
gnomAD v4.1: 3 of 1,612,856 alleles (0.00019%); highest among the groups gnomAD compares: Non-Finnish European, 0.00025%; no homozygotes.

Submission:

PreventionGenetics, part of Exact Sciences
Classification: Uncertain significance for RYK-related condition. Last evaluated: 2023-06-07. Review status: criteria provided, single submitter. Criteria: ACMG Guidelines, 2015. Collection method: clinical testing. Allele origin: germline.
Comment: The RYK c.817C>T is a noncoding alteration. However, please note that this variant can also be referred to as c.815C>T (p.Ala272Val) using an alternative transcript (NM_002958). To our knowledge, this variant has not been reported in the literature. This variant is reported in 0.00089% of alleles in individuals of European (Non-Finnish) descent in gnomAD. At this time, the clinical significance of this variant is uncertain due to the absence of conclusive functional and genetic evidence.

NM_002958.4(RYK):c.817C>T (p.Leu273=)

Gene: RYK (receptor like tyrosine kinase; minus strand). Cytogenetic location: 3q22.2.
Variant type: single nucleotide variant.
Coding change: c.817C>T on transcript NM_002958.4 (MANE Select); coding-DNA position 817, C replaced by T.
Protein change: p.Leu273=; no amino-acid change (leucine 273 retained).
Molecular consequence: synonymous variant.
Genome position (GRCh38, 1-based): chr3:134,195,154, G>A on the plus strand (C>T on the coding strand, the complement: RYK is on the minus strand). VCF-style: chr3-134195154-G-A. GRCh37 (hg19) VCF-style: chr3-133913998-G-A.
Other names: c.817C>T, p.Leu273= (NM_001005861.3).
Identifiers: ClinVar variation 2632542 (VCV002632542.1), dbSNP rs753323111, ClinGen allele CA2627221.